The following is an entry in ClinVar:

ClinVar aggregate classification (germline): Uncertain significance (1 of 4 stars; one submission).

gnomAD v4.1: 1 of 1,613,982 alleles (0.000062%); no homozygotes.

Submission:

Labcorp Genetics (formerly Invitae), Labcorp
Classification: Uncertain significance. Last evaluated: 2024-07-08. Review status: criteria provided, single submitter. Criteria: Invitae Variant Classification Sherloc (09022015). Collection method: clinical testing. Allele origin: germline.
Comment: This sequence change replaces serine, which is neutral and polar, with arginine, which is basic and polar, at codon 2723 of the VCAN protein (p.Ser2723Arg). This variant is present in population databases (no rsID available, gnomAD 0.004%). This variant has not been reported in the literature in individuals affected with VCAN-related conditions. An algorithm developed to predict the effect of missense changes on protein structure and function (PolyPhen-2) suggests that this variant is likely to be disruptive. In summary, the available evidence is currently insufficient to determine the role of this variant in disease. Therefore, it has been classified as a Variant of Uncertain Significance.

NM_004385.5(VCAN):c.8169C>A (p.Ser2723Arg)

Genes: VCAN (versican; plus strand), VCAN-AS1 (VCAN antisense RNA 1; minus strand). Cytogenetic location: 5q14.3.
Variant type: single nucleotide variant.
Coding change: c.8169C>A on transcript NM_004385.5 (MANE Select); coding-DNA position 8169, C replaced by A.
Protein change: p.Ser2723Arg; replaces serine 2723 with arginine.
Molecular consequence: missense variant. On other transcripts: intron variant (2).
Genome position (GRCh38, 1-based): chr5:83,541,172, C>A. VCF-style: chr5-83541172-C-A. GRCh37 (hg19) VCF-style: chr5-82836991-C-A.
Other names: c.5208C>A, p.Ser1736Arg (NM_001164097.2); c.4004-4365C>A (NM_001164098.2); c.1043-4365C>A (NM_001126336.3); short protein forms S1736R, S2723R.
Identifiers: ClinVar variation 3659016 (VCV003659016.2).